The following is an entry in ClinVar:

ClinVar aggregate classification (germline): Benign. Review status: criteria provided, multiple submitters, no conflicts (2 of 4 stars). 3 submissions from 3 submitters: Benign (3). Last evaluated 2024-07-15.

Allele frequency attached by ClinVar (database versions not stated): ESP Exome Variant Server 0.11306; gnomAD 0.12555 and 0.13203; TOPMed 0.12971; gnomAD exomes 0.14186; ExAC 0.15555; 1000 Genomes Project 30x 0.20206; 1000 Genomes Project 0.20767.
gnomAD v4.1: 171,744 of 1,584,088 alleles (11%); highest among the groups gnomAD compares: East Asian, 42%; 12,971 homozygotes.

Submissions (3):

Unidad de Genómica Garrahan, Hospital de Pediatría Garrahan
Classification: Benign. Last evaluated: 2024-07-15. Review status: criteria provided, single submitter. Criteria: ACMG Guidelines, 2015. Collection method: clinical testing. Allele origin: germline. Affected: no. Observed: 19 variant alleles.
Comment: This variant is classified as Benign based on local population frequency. This variant was detected in 20% of patients studied in a panel designed for Epileptic and Developmental Encephalopathy and Progressive Myoclonus Epilepsy. Number of patients: 19. Only high quality variants are reported.

GeneDx
Classification: Benign. Last evaluated: 2018-06-14. Review status: criteria provided, single submitter. Criteria: GeneDx Variant Classification (06012015). Collection method: clinical testing. Allele origin: germline. Affected: yes.
Comment: This variant is considered likely benign or benign based on one or more of the following criteria: it is a conservative change, it occurs at a poorly conserved position in the protein, it is predicted to be benign by multiple in silico algorithms, and/or has population frequency not consistent with disease.

Breakthrough Genomics
Classification: Benign. Review status: criteria provided, single submitter. Criteria: ACMG Guidelines, 2015. Collection method: not provided. Allele origin: germline. Inheritance: Autosomal dominant inheritance. Affected: yes.

NM_001330260.2(SCN8A):c.4228-27C>T

Gene: SCN8A (sodium voltage-gated channel alpha subunit 8; plus strand). Cytogenetic location: 12q13.13.
Variant type: single nucleotide variant.
Coding change: c.4228-27C>T on transcript NM_001330260.2 (MANE Select); 27 bases into the intron before coding-DNA position 4228, C replaced by T.
Molecular consequence: intron variant.
Genome position (GRCh38, 1-based): chr12:51,788,668, C>T. VCF-style: chr12-51788668-C-T. GRCh37 (hg19) VCF-style: chr12-52182452-C-T.
Other names: c.4228-27C>T (NM_014191.4); c.4105-27C>T (NM_001177984.3, NM_001369788.1).
Identifiers: ClinVar variation 670844 (VCV000670844.4), dbSNP rs9943714, ClinGen allele CA6571768.